The following is an entry in ClinVar:

ClinVar aggregate classification (germline): Uncertain significance (1 of 4 stars; one submission).

Submission:

GeneDx
Classification: Uncertain significance. Last evaluated: 2024-04-08. Review status: criteria provided, single submitter. Criteria: GeneDx Variant Classification Process June 2021. Collection method: clinical testing. Allele origin: germline. Affected: yes.
Comment: Not observed at significant frequency in large population cohorts (gnomAD); In silico analysis supports that this missense variant has a deleterious effect on protein structure/function; Has not been previously published as pathogenic or benign to our knowledge; This variant is associated with the following publications: (PMID: 29493581)

NM_007373.4(SHOC2):c.1039C>G (p.Pro347Ala)

Gene: SHOC2 (SHOC2 leucine rich repeat scaffold protein; plus strand). Cytogenetic location: 10q25.2.
Variant type: single nucleotide variant.
Coding change: c.1039C>G on transcript NM_007373.4 (MANE Select); coding-DNA position 1039, C replaced by G.
Protein change: p.Pro347Ala; replaces proline 347 with alanine.
Molecular consequence: missense variant. On other transcripts: non-coding transcript variant (1).
Genome position (GRCh38, 1-based): chr10:111,004,672, C>G. VCF-style: chr10-111004672-C-G. GRCh37 (hg19) VCF-style: chr10-112764430-C-G.
Other names: c.901C>G, p.Pro301Ala (NM_001269039.3); c.1039C>G, p.Pro347Ala (NM_001324336.2, NM_001324337.2); short protein forms P301A, P347A.
Identifiers: ClinVar variation 3372241 (VCV003372241.1).